The following is an entry in ClinVar:

ClinVar aggregate classification (germline): Uncertain significance (1 of 4 stars; one submission).

Conditions:
Hereditary sensory and autonomic neuropathy type 6. Also called: Neuropathy, hereditary sensory and autonomic, type VI; HSAN VI. Identifiers: Orphanet 314381, MedGen C3539003, MONDO:0013839, OMIM 614653.
Epidermolysis bullosa simplex 3, localized or generalized intermediate, with BP230 deficiency (EBS3). Also called: Epidermolysis bullosa simplex due to BP230 deficiency; Epidermolysis bullosa simplex, autosomal recessive 2. Identifiers: Orphanet 412181, MedGen C3809470, MONDO:0014180, OMIM 615425.

Allele frequency attached by ClinVar (database versions not stated): ExAC 0.00001; gnomAD exomes 0.00001.
gnomAD v4.1: 10 of 1,614,202 alleles (0.00062%); highest among the groups gnomAD compares: Admixed American, 0.0017%; no homozygotes.

Submission:

Labcorp Genetics (formerly Invitae), Labcorp
Classification: Uncertain significance for Epidermolysis bullosa simplex 3, localized or generalized intermediate, with BP230 deficiency; Hereditary sensory and autonomic neuropathy type 6. Last evaluated: 2022-07-07. Review status: criteria provided, single submitter. Criteria: Invitae Variant Classification Sherloc (09022015). Collection method: clinical testing. Allele origin: germline.
Comment: This variant is present in population databases (rs770678930, gnomAD 0.003%). This sequence change replaces lysine, which is basic and polar, with asparagine, which is neutral and polar, at codon 2496 of the DST protein (p.Lys2496Asn). This variant has not been reported in the literature in individuals affected with DST-related conditions. Algorithms developed to predict the effect of missense changes on protein structure and function (SIFT, PolyPhen-2, Align-GVGD) all suggest that this variant is likely to be disruptive. In summary, the available evidence is currently insufficient to determine the role of this variant in disease. Therefore, it has been classified as a Variant of Uncertain Significance.

NM_001723.7(DST):c.7488A>C (p.Lys2496Asn)

Gene: DST (dystonin; minus strand). Cytogenetic location: 6p12.1.
Variant type: single nucleotide variant.
Coding change: c.7488A>C on transcript NM_001723.7 (MANE Plus Clinical); coding-DNA position 7488, A replaced by C.
Protein change: p.Lys2496Asn; replaces lysine 2496 with asparagine.
Molecular consequence: missense variant. On other transcripts: intron variant (10).
Genome position (GRCh38, 1-based): chr6:56,615,979, T>G on the plus strand (A>C on the coding strand, the complement: DST is on the minus strand). VCF-style: chr6-56615979-T-G. GRCh37 (hg19) VCF-style: chr6-56480777-T-G.
Other names: c.4831-1495A>C (NM_001144769.5); c.4930-1495A>C (NM_001374722.1, NM_001374736.1); c.4957-1495A>C (NM_001374734.1); c.4417-1495A>C (NM_001144770.2); c.4297-1495A>C (NM_001374730.1, NM_001386100.1, NM_183380.4 and 1 more transcripts); c.3319-1495A>C (NM_015548.5); short protein forms K2496N.
Identifiers: ClinVar variation 2170243 (VCV002170243.4), dbSNP rs770678930, ClinGen allele CA3869956.